The following is an entry in ClinVar:

ClinVar aggregate classification (germline): Benign (0 of 4 stars; one submission).

Conditions:
SLC25A6-related disorder. Also called: SLC25A6-related condition.

Allele frequency attached by ClinVar (database versions not stated): ESP Exome Variant Server 0.62371; gnomAD 0.62967; TOPMed 0.63729; 1000 Genomes Project 0.64185; 1000 Genomes Project 30x 0.64683.
gnomAD v4.1: 928,173 of 1,611,068 alleles (58%); highest among the groups gnomAD compares: African/African-American, 75%; 271,161 homozygotes.

Submission:

PreventionGenetics, part of Exact Sciences
Classification: Benign for SLC25A6-related condition. Last evaluated: 2021-02-16. Review status: no assertion criteria provided. Collection method: clinical testing. Allele origin: germline.
Comment: This variant is classified as benign based on ACMG/AMP sequence variant interpretation guidelines (Richards et al. 2015 PMID: 25741868, with internal and published modifications).

NM_001636.4(SLC25A6):c.599-6G>C

Gene: SLC25A6 (solute carrier family 25 member 6; minus strand). Cytogenetic location: Yp11.2.
Variant type: single nucleotide variant.
Coding change: c.599-6G>C on transcript NM_001636.4 (MANE Select); 6 bases into the intron before coding-DNA position 599, G replaced by C.
Molecular consequence: intron variant.
Genome position (GRCh38, 1-based): chrX:1,387,425, C>G on the plus strand (G>C on the coding strand, the complement: SLC25A6 is on the minus strand). VCF-style: chrX-1387425-C-G. GRCh37 (hg19) VCF-style: chrX-1506318-C-G.
Identifiers: ClinVar variation 3036192 (VCV003036192.2), dbSNP rs6644951, ClinGen allele CA10332395.